The following is an entry in ClinVar:

ClinVar aggregate classification (germline): Uncertain significance (1 of 4 stars; one submission).

gnomAD v4.1: 345 of 1,611,094 alleles (0.021%); highest among the groups gnomAD compares: South Asian, 0.34%; 6 homozygotes.

Submission:

Ambry Genetics
Classification: Uncertain significance. Last evaluated: 2026-07-01. Review status: criteria provided, single submitter. Criteria: Ambry Variant Classification Scheme 2023. Collection method: clinical testing. Allele origin: germline.
Comment: The p.S611L variant (also known as c.1832C>T), located in coding exon 6 of the AXIN1 gene, results from a C to T substitution at nucleotide position 1832. The serine at codon 611 is replaced by leucine, an amino acid with dissimilar properties. This amino acid position is conserved. In addition, this alteration is predicted to be tolerated by in silico analysis. Based on the available evidence, the clinical significance of this variant remains unclear.

NM_003502.4(AXIN1):c.1832C>T (p.Ser611Leu)

Gene: AXIN1 (axin 1; minus strand). Cytogenetic location: 16p13.3.
Variant type: single nucleotide variant.
Coding change: c.1832C>T on transcript NM_003502.4 (MANE Select); coding-DNA position 1832, C replaced by T.
Protein change: p.Ser611Leu; replaces serine 611 with leucine.
Molecular consequence: missense variant. On other transcripts: non-coding transcript variant (1).
Genome position (GRCh38, 1-based): chr16:297,179, G>A on the plus strand (C>T on the coding strand, the complement: AXIN1 is on the minus strand). VCF-style: chr16-297179-G-A. GRCh37 (hg19) VCF-style: chr16-347179-G-A.
Other names: c.1832C>T, p.Ser611Leu (NM_181050.3); short protein forms S611L.
Identifiers: ClinVar variation 5032502 (VCV005032502.1).